The following is an entry in ClinVar:

NM_001291415.2(KDM6A):c.4265A>C (p.Glu1422Ala)

Gene: KDM6A (lysine demethylase 6A; plus strand). Cytogenetic location: Xp11.3.
Variant type: single nucleotide variant.
Coding change: c.4265A>C on transcript NM_001291415.2 (MANE Select); coding-DNA position 4265, A replaced by C.
Protein change: p.Glu1422Ala; replaces glutamic acid 1422 with alanine.
Molecular consequence: missense variant. On other transcripts: non-coding transcript variant (1).
Genome position (GRCh38, 1-based): chrX:45,110,182, A>C. VCF-style: chrX-45110182-A-C. GRCh37 (hg19) VCF-style: chrX-44969427-A-C.
Other names: c.4130A>C, p.Glu1377Ala (NM_001291416.2); c.3974A>C, p.Glu1325Ala (NM_001291417.2); c.3872A>C, p.Glu1291Ala (NM_001291418.2); c.3221A>C, p.Glu1074Ala (NM_001291421.2); c.4007A>C, p.Glu1336Ala (NM_001410742.1); c.4109A>C, p.Glu1370Ala (NM_021140.4); short protein forms E1074A, E1291A, E1325A, E1336A, E1370A, E1377A, E1422A.
Identifiers: ClinVar variation 1800902 (VCV001800902.7), dbSNP rs2046714547, ClinGen allele CA412777364.

ClinVar aggregate classification (germline): Uncertain significance. Review status: criteria provided, multiple submitters, no conflicts (2 of 4 stars). 2 submissions from 2 submitters: Uncertain significance (2). Last evaluated 2024-03-12.

Conditions:
Kabuki syndrome 2 (KABUK2). Also called: KDM6A-Related Kabuki Syndrome. Identifiers: Orphanet 2322, MedGen C3275495, MONDO:0010465, OMIM 300867.

Allele frequency attached by ClinVar (database versions not stated): TOPMed 0.00001; gnomAD exomes below 0.00001.
gnomAD v4.1: 2 of 1,211,267 alleles (0.00017%); highest among the groups gnomAD compares: Admixed American, 0.0043%; no homozygotes.

Submissions (2):

Labcorp Genetics (formerly Invitae), Labcorp
Classification: Uncertain significance for Kabuki syndrome 2. Last evaluated: 2024-03-12. Review status: criteria provided, single submitter. Criteria: Invitae Variant Classification Sherloc (09022015). Collection method: clinical testing. Allele origin: germline.
Comment: This sequence change replaces glutamic acid, which is acidic and polar, with alanine, which is neutral and non-polar, at codon 1370 of the KDM6A protein (p.Glu1370Ala). This variant is not present in population databases (gnomAD no frequency). This variant has not been reported in the literature in individuals affected with KDM6A-related conditions. ClinVar contains an entry for this variant (Variation ID: 1800902). Advanced modeling of protein sequence and biophysical properties (such as structural, functional, and spatial information, amino acid conservation, physicochemical variation, residue mobility, and thermodynamic stability) performed at Invitae indicates that this missense variant is not expected to disrupt KDM6A protein function with a negative predictive value of 80%. In summary, the available evidence is currently insufficient to determine the role of this variant in disease. Therefore, it has been classified as a Variant of Uncertain Significance.

GeneDx
Classification: Uncertain significance. Last evaluated: 2023-09-27. Review status: criteria provided, single submitter. Criteria: GeneDx Variant Classification Process June 2021. Collection method: clinical testing. Allele origin: germline.
Comment: Not observed at significant frequency in large population cohorts (gnomAD); In silico analysis supports that this missense variant has a deleterious effect on protein structure/function; Has not been previously published as pathogenic or benign to our knowledge